The following is an entry in ClinVar:

NM_000302.4(PLOD1):c.842G>A (p.Gly281Glu)

Gene: PLOD1 (procollagen-lysine,2-oxoglutarate 5-dioxygenase 1; plus strand). Cytogenetic location: 1p36.22.
Variant type: single nucleotide variant.
Coding change: c.842G>A on transcript NM_000302.4 (MANE Select); coding-DNA position 842, G replaced by A.
Protein change: p.Gly281Glu; replaces glycine 281 with glutamic acid.
Molecular consequence: missense variant.
Genome position (GRCh38, 1-based): chr1:11,957,942, G>A. VCF-style: chr1-11957942-G-A. GRCh37 (hg19) VCF-style: chr1-12017999-G-A.
Other names: c.983G>A, p.Gly328Glu (NM_001316320.2); short protein forms G281E, G328E.
Identifiers: ClinVar variation 520122 (VCV000520122.10), dbSNP rs1056398577, ClinGen allele CA18003303.

ClinVar aggregate classification (germline): Uncertain significance. Review status: criteria provided, multiple submitters, no conflicts (2 of 4 stars). 2 submissions from 2 submitters: Uncertain significance (2). Last evaluated 2025-04-01.

Conditions:
Familial thoracic aortic aneurysm and aortic dissection (TAAD). Also called: Thoracic aortic aneurysms and dissections. Identifiers: Orphanet 91387, MedGen C4707243, MONDO:0019625.
Ehlers-Danlos syndrome, kyphoscoliotic type 1 (EDSKSCL1). Also called: EHLERS-DANLOS SYNDROME, OCULAR-SCOLIOTIC TYPE; Ehlers-Danlos syndrome, hydroxylysine-deficient; PLOD1-Related Kyphoscoliotic Ehlers-Danlos Syndrome; EHLERS-DANLOS SYNDROME, TYPE VIA. Identifiers: Orphanet 1900, MedGen C0268342, MONDO:0016002, OMIM 225400. Disease mechanism: loss of function.

Allele frequency attached by ClinVar (database versions not stated): TOPMed 0.00002; gnomAD 0.00003.
gnomAD v4.1: 25 of 1,601,266 alleles (0.0016%); highest among the groups gnomAD compares: African/African-American, 0.004%; no homozygotes.

Submissions (2):

Ambry Genetics
Classification: Uncertain significance for Familial thoracic aortic aneurysm and aortic dissection. Last evaluated: 2025-04-01. Review status: criteria provided, single submitter. Criteria: Ambry Variant Classification Scheme 2023. Collection method: clinical testing. Allele origin: germline.

Labcorp Genetics (formerly Invitae), Labcorp
Classification: Uncertain significance for Ehlers-Danlos syndrome, kyphoscoliotic type 1. Last evaluated: 2022-06-08. Review status: criteria provided, single submitter. Criteria: Invitae Variant Classification Sherloc (09022015). Collection method: clinical testing. Allele origin: germline.
Comment: This sequence change replaces glycine, which is neutral and non-polar, with glutamic acid, which is acidic and polar, at codon 281 of the PLOD1 protein (p.Gly281Glu). This variant is present in population databases (no rsID available, gnomAD 0.004%). This variant has not been reported in the literature in individuals affected with PLOD1-related conditions. ClinVar contains an entry for this variant (Variation ID: 520122). Algorithms developed to predict the effect of missense changes on protein structure and function output the following: SIFT: "Tolerated"; PolyPhen-2: "Benign"; Align-GVGD: "Class C0". The glutamic acid amino acid residue is found in multiple mammalian species, which suggests that this missense change does not adversely affect protein function. In summary, the available evidence is currently insufficient to determine the role of this variant in disease. Therefore, it has been classified as a Variant of Uncertain Significance.